The following is an entry in ClinVar:

NM_018319.4(TDP1):c.1542-2A>G

Gene: TDP1 (tyrosyl-DNA phosphodiesterase 1; plus strand). Cytogenetic location: 14q32.11.
Variant type: single nucleotide variant.
Coding change: c.1542-2A>G on transcript NM_018319.4 (MANE Select); the canonical splice acceptor site of the intron before coding-DNA position 1542, A replaced by G.
Molecular consequence: splice acceptor variant.
Genome position (GRCh38, 1-based): chr14:90,019,314, A>G. VCF-style: chr14-90019314-A-G. GRCh37 (hg19) VCF-style: chr14-90485658-A-G.
Other names: c.1542-2A>G (NM_001330205.2, NM_001008744.2).
Identifiers: ClinVar variation 4883045 (VCV004883045.2).
Genomic context (GRCh38, chr14:90,019,314, plus strand): 5'-AAGTTTGACCCACACTGAGATGCCTCCCTGAGTCAGCCCTATCTGTGTCCTTGTCTCTGC[A>G]GCGCAAATCTGTCCAAGGCTGCCTGGGGAGCATTGGAGAAGAATGGCACCCAGCTGATGA-3'

ClinVar aggregate classification (germline): Uncertain significance (1 of 4 stars; one submission).

Conditions:
Spinocerebellar ataxia, autosomal recessive, with axonal neuropathy 1 (SCAN1). Identifiers: Orphanet 94124, MedGen C4759870, MONDO:0011801, OMIM 607250.

gnomAD v4.1: 13 of 1,595,412 alleles (0.00081%); highest among the groups gnomAD compares: African/African-American, 0.004%; no homozygotes.

Submission:

Dasa
Classification: Uncertain significance for Spinocerebellar ataxia, autosomal recessive, with axonal neuropathy 1. Last evaluated: 2026-02-04. Review status: criteria provided, single submitter. Criteria: DASA Assertion Criteria. Collection method: clinical testing. Allele origin: germline.
Comment: NM_018319.4(TDP1):c.1542-2A>G affects a canonical splice site and is predicted to disrupt normal RNA splicing. This variant is rare in population databases. The currently available literature and clinical evidence are not sufficient to establish a definitive association between this variant and the reported condition. Therefore, this variant is classified as a variant of uncertain significance.